The following is an entry in ClinVar:

ClinVar aggregate classification (germline): Conflicting classifications of pathogenicity. Review status: criteria provided, conflicting classifications (1 of 4 stars). 2 submissions from 2 submitters: Likely pathogenic (1); Uncertain significance (1). Last evaluated 2025-03-04.

Allele frequency attached by ClinVar (database versions not stated): gnomAD exomes below 0.00001; TOPMed 0.00001.

Submissions (2):

GeneDx
Classification: Likely pathogenic. Last evaluated: 2025-03-04. Review status: criteria provided, single submitter. Criteria: GeneDx Variant Classification Process June 2021. Collection method: clinical testing. Allele origin: germline. Affected: yes.
Comment: Not observed at significant frequency in large population cohorts (gnomAD); In silico analysis supports a deleterious effect on splicing; This variant is associated with the following publications: (PMID: 38109455, 33079427, 31612321)

Labcorp Genetics (formerly Invitae), Labcorp
Classification: Uncertain significance. Last evaluated: 2023-09-17. Review status: criteria provided, single submitter. Criteria: Invitae Variant Classification Sherloc (09022015). Collection method: clinical testing. Allele origin: germline.
Comment: This sequence change falls in intron 11 of the ATP8A2 gene. It does not directly change the encoded amino acid sequence of the ATP8A2 protein. It affects a nucleotide within the consensus splice site. In summary, the available evidence is currently insufficient to determine the role of this variant in disease. Therefore, it has been classified as a Variant of Uncertain Significance. Variants that disrupt the consensus splice site are a relatively common cause of aberrant splicing (PMID: 17576681, 9536098). Algorithms developed to predict the effect of sequence changes on RNA splicing suggest that this variant may disrupt the consensus splice site. ClinVar contains an entry for this variant (Variation ID: 2174599). This variant has been observed in individuals with clinical features of ATP8A2-related conditions (PMID: 31612321; Invitae). This variant is not present in population databases (gnomAD no frequency).

Literature cited by the submitters: PubMed 17576681 (cited by Labcorp Genetics (formerly Invitae), Labcorp); PubMed 9536098 (cited by Labcorp Genetics (formerly Invitae), Labcorp); PubMed 31612321 (cited by Labcorp Genetics (formerly Invitae), Labcorp).

NM_016529.6(ATP8A2):c.1057+5G>C

Gene: ATP8A2 (ATPase phospholipid transporting 8A2). Cytogenetic location: 13q12.13.
Variant type: single nucleotide variant.
Coding change: c.1057+5G>C on transcript NM_016529.6 (MANE Select); 5 bases into the intron after coding-DNA position 1057, G replaced by C.
Molecular consequence: intron variant.
Genome position (GRCh38, 1-based): chr13:25,551,508, G>C. VCF-style: chr13-25551508-G-C. GRCh37 (hg19) VCF-style: chr13-26125646-G-C.
Other names: c.937+5G>C (NM_001313741.1).
Identifiers: ClinVar variation 2174599 (VCV002174599.6), dbSNP rs930632087, ClinGen allele CA247138296.